The following is an entry in ClinVar:

NM_004525.3(LRP2):c.2426G>A (p.Ser809Asn)

Gene: LRP2 (LDL receptor related protein 2; minus strand). Cytogenetic location: 2q31.1.
Variant type: single nucleotide variant.
Coding change: c.2426G>A on transcript NM_004525.3 (MANE Select); coding-DNA position 2426, G replaced by A.
Protein change: p.Ser809Asn; replaces serine 809 with asparagine.
Molecular consequence: missense variant.
Genome position (GRCh38, 1-based): chr2:169,259,112, C>T on the plus strand (G>A on the coding strand, the complement: LRP2 is on the minus strand). VCF-style: chr2-169259112-C-T. GRCh37 (hg19) VCF-style: chr2-170115622-C-T.
Other names: short protein forms S809N.
Identifiers: ClinVar variation 1439213 (VCV001439213.8), dbSNP rs759522776, ClinGen allele CA1955305.
Genomic context (GRCh38, chr2:169,259,112, plus strand): 5'-CGTGGGTTATTTAAATACTGAACTACTGTGCGTCTCGTTTTATCAGCTAGCCTCATGACA[C>T]TGATACTCTTGTAATGAGAGTCTGTCCAATAGAGATTCTTTGAAATCCAATCAAAAGCCA-3'
Protein context (NP_004516.2, residues 799-819): YWTDSHYKSI[Ser809Asn]VMRLADKTRR

ClinVar aggregate classification (germline): Uncertain significance (1 of 4 stars; one submission).

Allele frequency attached by ClinVar (database versions not stated): gnomAD exomes below 0.00001; ExAC 0.00001.
gnomAD v4.1: 2 of 1,612,822 alleles (0.00012%); highest among the groups gnomAD compares: Non-Finnish European, 0.00017%; no homozygotes.

Submission:

Labcorp Genetics (formerly Invitae), Labcorp
Classification: Uncertain significance. Last evaluated: 2024-10-24. Review status: criteria provided, single submitter. Criteria: Invitae Variant Classification Sherloc (09022015). Collection method: clinical testing. Allele origin: germline.
Comment: This sequence change replaces serine, which is neutral and polar, with asparagine, which is neutral and polar, at codon 809 of the LRP2 protein (p.Ser809Asn). This variant is present in population databases (rs759522776, gnomAD 0.0009%). This variant has not been reported in the literature in individuals affected with LRP2-related conditions. ClinVar contains an entry for this variant (Variation ID: 1439213). Invitae Evidence Modeling of protein sequence and biophysical properties (such as structural, functional, and spatial information, amino acid conservation, physicochemical variation, residue mobility, and thermodynamic stability) indicates that this missense variant is not expected to disrupt LRP2 protein function with a negative predictive value of 80%. In summary, the available evidence is currently insufficient to determine the role of this variant in disease. Therefore, it has been classified as a Variant of Uncertain Significance.